The following is an entry in ClinVar:

NM_006231.4(POLE):c.803A>G (p.Asp268Gly)

Gene: POLE (DNA polymerase epsilon, catalytic subunit; minus strand). Cytogenetic location: 12q24.33.
Variant type: single nucleotide variant.
Coding change: c.803A>G on transcript NM_006231.4 (MANE Select); coding-DNA position 803, A replaced by G.
Protein change: p.Asp268Gly; replaces aspartic acid 268 with glycine.
Molecular consequence: missense variant.
Genome position (GRCh38, 1-based): chr12:132,676,652, T>C on the plus strand (A>G on the coding strand, the complement: POLE is on the minus strand). VCF-style: chr12-132676652-T-C. GRCh37 (hg19) VCF-style: chr12-133253238-T-C.
Other names: short protein forms D268G.
Identifiers: ClinVar variation 5027114 (VCV005027114.1).

ClinVar aggregate classification (germline): Uncertain significance (1 of 4 stars; one submission).

Conditions:
Hereditary cancer-predisposing syndrome. Also called: Neoplastic Syndromes, Hereditary; Tumor predisposition; Hereditary neoplastic syndrome; Hereditary Cancer Syndrome. Identifiers: Orphanet 140162, MedGen C0027672, MeSH D009386, MONDO:0015356.

gnomAD v4.1: 2 of 1,601,156 alleles (0.00012%); highest among the groups gnomAD compares: Non-Finnish European, 0.000086%; no homozygotes.

Submission:

Ambry Genetics
Classification: Uncertain significance for Hereditary cancer-predisposing syndrome. Last evaluated: 2026-08-15. Review status: criteria provided, single submitter. Criteria: Ambry Variant Classification Scheme 2023. Collection method: clinical testing. Allele origin: germline.
Comment: The p.D268G variant (also known as c.803A>G), located in coding exon 9 of the POLE gene, results from an A to G substitution at nucleotide position 803. The aspartic acid at codon 268 is replaced by glycine, an amino acid with similar properties. This amino acid position is conserved. In addition, the in silico prediction for this alteration is inconclusive. Based on the available evidence, the clinical significance of this variant remains unclear.